The following is an entry in ClinVar:

ClinVar aggregate classification (germline): Uncertain significance (1 of 4 stars; one submission).

gnomAD v4.1: 2 of 1,613,946 alleles (0.00012%); highest among the groups gnomAD compares: Admixed American, 0.0033%; no homozygotes.

Submission:

GeneDx
Classification: Uncertain significance. Last evaluated: 2025-06-10. Review status: criteria provided, single submitter. Criteria: GeneDx Variant Classification Process June 2021. Collection method: clinical testing. Allele origin: germline. Affected: yes.
Comment: In silico analysis suggests that this missense variant does not alter protein structure/function; Has not been previously published as pathogenic or benign to our knowledge

NM_198904.4(GABRG2):c.1399G>A (p.Val467Ile)

Gene: GABRG2 (gamma-aminobutyric acid type A receptor subunit gamma2; plus strand). Cytogenetic location: 5q34.
Variant type: single nucleotide variant.
Coding change: c.1399G>A on transcript NM_198904.4 (MANE Select); coding-DNA position 1399, G replaced by A.
Protein change: p.Val467Ile; replaces valine 467 with isoleucine.
Molecular consequence: missense variant. On other transcripts: 3 prime UTR variant (1).
Genome position (GRCh38, 1-based): chr5:162,153,339, G>A. VCF-style: chr5-162153339-G-A. GRCh37 (hg19) VCF-style: chr5-161580345-G-A.
Other names: c.1375G>A, p.Val459Ile (NM_000816.3); c.1390G>A, p.Val464Ile (NM_001375339.1); c.*233G>A (NM_001375340.1); c.1396G>A, p.Val466Ile (NM_001375341.1); c.1372G>A, p.Val458Ile (NM_001375342.1); c.1495G>A, p.Val499Ile (NM_001375343.1); c.1438G>A, p.Val480Ile (NM_001375344.1); c.1309G>A, p.Val437Ile (NM_001375345.1); and 6 more; short protein forms V319I, V327I, V364I, V437I, V438I, V445I, V458I, V459I.
Identifiers: ClinVar variation 4537513 (VCV004537513.1).